The following is an entry in ClinVar:

NM_018191.4(RCBTB1):c.1262_1263del (p.Tyr421fs)

Gene: RCBTB1 (RCC1 and BTB domain containing protein 1; minus strand). Cytogenetic location: 13q14.2.
Variant type: Deletion.
Coding change: c.1262_1263del on transcript NM_018191.4 (MANE Select); coding-DNA positions 1262 to 1263, 2 bases deleted (AT; older notation c.1262_1263delAT).
Protein change: p.Tyr421fs; shifts the reading frame from tyrosine 421.
Molecular consequence: frameshift variant. On other transcripts: non-coding transcript variant (2).
Genome position (GRCh38, 1-based): chr13:49,541,737-49,541,738, AT deleted on the plus strand (AT on the coding strand, the reverse complement: RCBTB1 is on the minus strand); deleting any 2 consecutive bases within chr13:49,541,737-49,541,739 gives the same sequence; the c. name uses the placement nearest the transcript's 3' end. VCF-style (leftmost placement, unchanged base first): chr13-49541736-GAT-G. GRCh37 (hg19) VCF-style: chr13-50115872-GAT-G.
Other names: c.1262_1263del, p.Tyr421fs (NM_001352500.2, NM_001352501.2, NM_001352502.2 and 2 more transcripts); c.683_684del, p.Tyr228fs (NM_001352506.2); short protein forms Y421fs, Y228fs.
Identifiers: ClinVar variation 2834248 (VCV002834248.4), dbSNP rs765367820, ClinGen allele CA6982625.
Genomic context (GRCh38, chr13:49,541,736, plus strand): 5'-CTATAGCATCTTCTGGCGGCAGGTCGACTGTGTCTGTGTAGAGGTACTGGAGAAAGGCAC[GAT>G]ACACTGGGTAAGAAAACTGATCGATTTCTATCACTTCCTTCATGTCTTCATTCCAATACG-3'

ClinVar aggregate classification (germline): Pathogenic. Review status: criteria provided, multiple submitters, no conflicts (2 of 4 stars). 2 submissions from 2 submitters: Pathogenic (2). Last evaluated 2026-01-26.

Conditions:
RCBTB1-related retinopathy. Also called: Retinal dystrophy with or without extraocular anomalies. Identifiers: MedGen C4310680, MONDO:0014955, OMIM 617175.

Submissions (2):

Medical and Scientific Branch, Hong Kong Genome Institute
Classification: Pathogenic for RCBTB1-related retinopathy. Last evaluated: 2026-01-26. Review status: criteria provided, single submitter. Criteria: ACMG Guidelines, 2015. Collection method: clinical testing. Allele origin: unknown. Affected: yes.

Labcorp Genetics (formerly Invitae), Labcorp
Classification: Pathogenic. Last evaluated: 2024-05-20. Review status: criteria provided, single submitter. Criteria: Invitae Variant Classification Sherloc (09022015). Collection method: clinical testing. Allele origin: germline.
Comment: This sequence change creates a premature translational stop signal (p.Tyr421Serfs*31) in the RCBTB1 gene. It is expected to result in an absent or disrupted protein product. Loss-of-function variants in RCBTB1 are known to be pathogenic (PMID: 31494449). This variant is present in population databases (rs765367820, gnomAD 0.01%). This premature translational stop signal has been observed in individual(s) with retinal disease (PMID: 33104391). For these reasons, this variant has been classified as Pathogenic.

Literature cited by the submitters: PubMed 31494449 (cited by Labcorp Genetics (formerly Invitae), Labcorp); PubMed 33104391 (cited by Labcorp Genetics (formerly Invitae), Labcorp).